The following is an entry in ClinVar:

NM_000744.7(CHRNA4):c.4G>A (p.Glu2Lys)

Genes: CHRNA4 (cholinergic receptor nicotinic alpha 4 subunit; minus strand), LOC100130587 (uncharacterized LOC100130587; plus strand). Cytogenetic location: 20q13.33.
Variant type: single nucleotide variant.
Coding change: c.4G>A on transcript NM_000744.7 (MANE Select); coding-DNA position 4, G replaced by A.
Protein change: p.Glu2Lys; replaces glutamic acid 2 with lysine.
Molecular consequence: missense variant. On other transcripts: non-coding transcript variant (1), intron variant (1).
Genome position (GRCh38, 1-based): chr20:63,361,162, C>T on the plus strand (G>A on the coding strand, the complement: CHRNA4 is on the minus strand). VCF-style: chr20-63361162-C-T. GRCh37 (hg19) VCF-style: chr20-61992514-C-T.
Other names: c.-471+15G>A (NM_001256573.2); short protein forms E2K.
Identifiers: ClinVar variation 4780505 (VCV004780505.1).

ClinVar aggregate classification (germline): Uncertain significance (1 of 4 stars; one submission).

Conditions:
Familial sleep-related hypermotor epilepsy. Also called: Autosomal Dominant Sleep-Related Hypermotor (Hyperkinetic) Epilepsy. Identifiers: Orphanet 98784, MedGen C3696898, MONDO:0000030.

gnomAD v4.1: 4 of 1,479,558 alleles (0.00027%); highest among the groups gnomAD compares: Non-Finnish European, 0.00036%; no homozygotes.

Submission:

Labcorp Genetics (formerly Invitae), Labcorp
Classification: Uncertain significance. Last evaluated: 2026-01-04. Review status: criteria provided, single submitter. Criteria: Invitae Variant Classification Sherloc (09022015). Collection method: clinical testing. Allele origin: germline.
Comment: This sequence change replaces glutamic acid, which is acidic and polar, with lysine, which is basic and polar, at codon 2 of the CHRNA4 protein (p.Glu2Lys). This variant is not present in population databases (gnomAD no frequency). This variant has not been reported in the literature in individuals affected with CHRNA4-related conditions. Experimental studies and prediction algorithms are not available or were not evaluated, and the functional significance of this variant is currently unknown. In summary, the available evidence is currently insufficient to determine the role of this variant in disease. Therefore, it has been classified as a Variant of Uncertain Significance.